The following is an entry in ClinVar:

NM_006017.3(PROM1):c.2513A>T (p.Asn838Ile)

Gene: PROM1 (prominin 1; minus strand). Cytogenetic location: 4p15.32.
Variant type: single nucleotide variant.
Coding change: c.2513A>T on transcript NM_006017.3 (MANE Select); coding-DNA position 2513, A replaced by T.
Protein change: p.Asn838Ile; replaces asparagine 838 with isoleucine.
Molecular consequence: missense variant. On other transcripts: intron variant (4).
Genome position (GRCh38, 1-based): chr4:15,979,881, T>A on the plus strand (A>T on the coding strand, the complement: PROM1 is on the minus strand). VCF-style: chr4-15979881-T-A. GRCh37 (hg19) VCF-style: chr4-15981504-T-A.
Other names: c.2486A>T, p.Asn829Ile (NM_001145847.2, NM_001145848.2, NM_001145851.2 and 1 more transcripts); c.2513A>T, p.Asn838Ile (NM_001145849.2); c.2462+541A>T (NM_001145852.2, NM_001371408.1, NM_001371407.1); c.2489+541A>T (NM_001145850.2); short protein forms N829I, N838I.
Identifiers: ClinVar variation 1721733 (VCV001721733.5), dbSNP rs2474864464, ClinGen allele CA356426069.

ClinVar aggregate classification (germline): Uncertain significance (1 of 4 stars; one submission).

Submission:

Labcorp Genetics (formerly Invitae), Labcorp
Classification: Uncertain significance. Last evaluated: 2022-12-06. Review status: criteria provided, single submitter. Criteria: Invitae Variant Classification Sherloc (09022015). Collection method: clinical testing. Allele origin: germline.
Comment: Algorithms developed to predict the effect of missense changes on protein structure and function (SIFT, PolyPhen-2, Align-GVGD) all suggest that this variant is likely to be tolerated. In summary, the available evidence is currently insufficient to determine the role of this variant in disease. Therefore, it has been classified as a Variant of Uncertain Significance. ClinVar contains an entry for this variant (Variation ID: 1721733). This variant is not present in population databases (gnomAD no frequency). This sequence change replaces asparagine, which is neutral and polar, with isoleucine, which is neutral and non-polar, at codon 838 of the PROM1 protein (p.Asn838Ile). This variant has not been reported in the literature in individuals affected with PROM1-related conditions.